The following is an entry in ClinVar:

NM_005340.6(HINT1):c.-176A>G

Genes: HINT1 (histidine triad nucleotide binding protein 1; minus strand), LOC129994533 (ATAC-STARR-seq lymphoblastoid silent region 16302; plus strand). Cytogenetic location: 5q23.3.
Variant type: single nucleotide variant.
Coding change: c.-176A>G on transcript NM_005340.6; 176 bases upstream of the start codon, A replaced by G.
Genome position (GRCh38, 1-based): chr5:131,165,381, T>C on the plus strand (A>G on the coding strand, the complement: HINT1 is on the minus strand). VCF-style: chr5-131165381-T-C. GRCh37 (hg19) VCF-style: chr5-130501074-T-C.
Identifiers: ClinVar variation 681703 (VCV000681703.3), dbSNP rs73258136, ClinGen allele CA12036256.

ClinVar aggregate classification (germline): Benign (1 of 4 stars; one submission).

Allele frequency attached by ClinVar (database versions not stated): TOPMed 0.13316; 1000 Genomes Project 30x 0.12508; gnomAD 0.12655 and 0.11917; gnomAD exomes 0.03649; 1000 Genomes Project 0.11821.

Submission:

GeneDx
Classification: Benign. Last evaluated: 2018-06-16. Review status: criteria provided, single submitter. Criteria: GeneDx Variant Classification (06012015). Collection method: clinical testing. Allele origin: germline. Affected: yes.
Comment: This variant is considered likely benign or benign based on one or more of the following criteria: it is a conservative change, it occurs at a poorly conserved position in the protein, it is predicted to be benign by multiple in silico algorithms, and/or has population frequency not consistent with disease.